The following is an entry in ClinVar:

NM_002234.4(KCNA5):c.878C>T (p.Ala293Val)

Gene: KCNA5 (potassium voltage-gated channel subfamily A member 5; plus strand). Cytogenetic location: 12p13.32.
Variant type: single nucleotide variant.
Coding change: c.878C>T on transcript NM_002234.4 (MANE Select); coding-DNA position 878, C replaced by T.
Protein change: p.Ala293Val; replaces alanine 293 with valine.
Molecular consequence: missense variant.
Genome position (GRCh38, 1-based): chr12:5,045,025, C>T. VCF-style: chr12-5045025-C-T. GRCh37 (hg19) VCF-style: chr12-5154191-C-T.
Other names: short protein forms A293V.
Identifiers: ClinVar variation 3705850 (VCV003705850.2).

ClinVar aggregate classification (germline): Uncertain significance (1 of 4 stars; one submission).

Conditions:
Atrial fibrillation, familial, 7 (ATFB7). Identifiers: MedGen C2677106, MONDO:0012828, OMIM 612240.

Submission:

Labcorp Genetics (formerly Invitae), Labcorp
Classification: Uncertain significance for Atrial fibrillation, familial, 7. Last evaluated: 2025-02-11. Review status: criteria provided, single submitter. Criteria: Invitae Variant Classification Sherloc (09022015). Collection method: clinical testing. Allele origin: germline.
Comment: This sequence change replaces alanine, which is neutral and non-polar, with valine, which is neutral and non-polar, at codon 293 of the KCNA5 protein (p.Ala293Val). This variant is not present in population databases (gnomAD no frequency). This variant has not been reported in the literature in individuals affected with KCNA5-related conditions. An algorithm developed to predict the effect of missense changes on protein structure and function outputs the following: PolyPhen-2: "Benign". The valine amino acid residue is found in multiple mammalian species, which suggests that this missense change does not adversely affect protein function. In summary, the available evidence is currently insufficient to determine the role of this variant in disease. Therefore, it has been classified as a Variant of Uncertain Significance.